The following is an entry in ClinVar:

NM_001267550.2(TTN):c.40222+2TA[9]

Gene: TTN (titin; minus strand). Cytogenetic location: 2q31.2.
Variant type: Microsatellite.
Coding change: c.40222+2TA[9] on transcript NM_001267550.2 (MANE Select); nine copies in a row of the 2-base unit TA starting at c.40222+2; the reference has 11 copies in a row; two copies, 4 bases deleted.
Molecular consequence: splice donor variant. On other transcripts: intron variant (6).
Genome position (GRCh38, 1-based): chr2:178,647,041-178,647,044, TATA deleted on the plus strand (TATA on the coding strand, the reverse complement: TTN is on the minus strand); deleting any 4 consecutive bases within chr2:178,647,041-178,647,062 gives the same sequence; the position shown is the placement nearest the transcript's 3' end. VCF-style (leftmost placement, unchanged base first): chr2-178647040-GTATA-G. GRCh37 (hg19) VCF-style: chr2-179511767-GTATA-G.
Other names: c.13283-4745TA[9] (NM_003319.4); c.13859-4745TA[9] (NM_133437.4); c.13658-4745TA[9] (NM_133432.3); c.32594-1032TA[9] (NM_133378.4); c.35375-1032TA[9] (NM_001256850.1); c.32594-1032_32594-1029del (NM_133378.4).
Identifiers: ClinVar variation 191975 (VCV000191975.17), dbSNP rs10580462, ClinGen allele CA238007.

ClinVar aggregate classification (germline): Conflicting classifications of pathogenicity. Review status: criteria provided, conflicting classifications (1 of 4 stars). 7 submissions from 7 submitters: Uncertain significance (1); Likely benign (3). 3 of the submissions do not count toward it. Last evaluated 2026-02-03.

Conditions:
Autosomal recessive limb-girdle muscular dystrophy type 2J (LGMDR10). Also called: MUSCULAR DYSTROPHY, LIMB-GIRDLE, AUTOSOMAL RECESSIVE 10; Limb-girdle muscular dystrophy, type 2J. Identifiers: Orphanet 140922, MedGen C1837342, MONDO:0012127, OMIM 608807.
Dilated cardiomyopathy 1G (CMD1G). Identifiers: Orphanet 154, MedGen C1858763, MONDO:0011400, OMIM 604145.

Submissions (7):

Labcorp Genetics (formerly Invitae), Labcorp
Classification: Likely benign for Dilated cardiomyopathy 1G; Autosomal recessive limb-girdle muscular dystrophy type 2J. Last evaluated: 2026-02-03. Review status: criteria provided, single submitter. Criteria: Invitae Variant Classification Sherloc (09022015). Collection method: clinical testing. Allele origin: germline.

Blueprint Genetics
Classification: Likely benign. Last evaluated: 2024-11-25. Review status: criteria provided, single submitter. Criteria: ACMG Guidelines, 2015. Collection method: clinical testing. Allele origin: germline.

GeneDx
Classification: Likely benign. Last evaluated: 2019-08-06. Review status: criteria provided, single submitter. Criteria: GeneDx Variant Classification Process June 2021. Collection method: clinical testing. Allele origin: germline. Affected: yes.

Biesecker Lab/Clinical Genomics Section, National Institutes of Health
Classification: Uncertain significance. Last evaluated: 2013-06-24. Review status: criteria provided, single submitter. Criteria: Ng et al. (Circ Cardiovasc Genet. 2013). Collection method: research. Allele origin: unknown. Study: ClinSeq.
Comment: The study set was not selected for affection status in relation to any cancer. Pathogenicity categories were based on literature curation. See Pubmed ID:23861362 for details.

Medical sequencing

Clinical Genetics, Academic Medical Center
Classification: Benign. Review status: no assertion criteria provided. Collection method: clinical testing. Allele origin: germline. Affected: yes. Study: VKGL Data-share Consensus. Not counted in ClinVar's aggregate classification.

Diagnostic Laboratory, Department of Genetics, University Medical Center Groningen
Classification: Benign. Review status: no assertion criteria provided. Collection method: clinical testing. Allele origin: germline. Affected: yes. Study: VKGL Data-share Consensus. Not counted in ClinVar's aggregate classification.

Laboratory of Diagnostic Genome Analysis, Leiden University Medical Center (LUMC)
Classification: Likely benign. Review status: no assertion criteria provided. Collection method: clinical testing. Allele origin: germline. Affected: yes. Study: VKGL Data-share Consensus. Not counted in ClinVar's aggregate classification.